The following is an entry in ClinVar:

NM_007294.4(BRCA1):c.2091C>G (p.Phe697Leu)

Gene: BRCA1 (BRCA1 DNA repair associated; minus strand). Cytogenetic location: 17q21.31.
Variant type: single nucleotide variant.
Coding change: c.2091C>G on transcript NM_007294.4 (MANE Select); coding-DNA position 2091, C replaced by G.
Protein change: p.Phe697Leu; replaces phenylalanine 697 with leucine.
Molecular consequence: missense variant. On other transcripts: intron variant (137).
Genome position (GRCh38, 1-based): chr17:43,093,440, G>C on the plus strand (C>G on the coding strand, the complement: BRCA1 is on the minus strand). VCF-style: chr17-43093440-G-C. GRCh37 (hg19) VCF-style: chr17-41245457-G-C.
Other names: c.1587C>G, p.Phe529Leu (NM_001407965.1); c.1203C>G, p.Phe401Leu (NM_001407966.1, NM_001407967.1); c.646+1304C>G (NM_001408458.1, NM_001408469.1, NM_001408461.1 and 11 more transcripts); c.283+1304C>G (NM_001408512.1); c.406+1304C>G (NM_001408510.1); c.643+1304C>G (NM_001408470.1, NM_001408464.1, NM_001408468.1 and 3 more transcripts); c.1950C>G, p.Phe650Leu (NM_007297.4, NM_001407692.1, NM_001407694.1 and 29 more transcripts); c.2091C>G, p.Phe697Leu (NM_007300.4, NM_001407581.1, NM_001407582.1 and 30 more transcripts); and 41 more; short protein forms F585L, F608L, F650L, F529L, F627L, F629L, F671L, F694L.
Identifiers: ClinVar variation 1785737 (VCV001785737.7), dbSNP rs2154399882, ClinGen allele CA10597819.
Genomic context (GRCh38, chr17:43,093,440, plus strand): 5'-TTCACTGGTATTTGAACACTTAGTAAAAGAACCAGGTGCATTTGTTAACTTCAGCTCTGG[G>C]AAAGTATCGCTGTCATGTCTTTTACTTGTCTGTTCATTTGGCTTGTTACTCTTCTTGGCT-3'
Protein context (NP_009225.1, residues 687-707): QTSKRHDSDT[Phe697Leu]PELKLTNAPG

ClinVar aggregate classification (germline): Conflicting classifications of pathogenicity. Review status: criteria provided, conflicting classifications (1 of 4 stars). 3 submissions from 3 submitters: Uncertain significance (2); Likely benign (1). Last evaluated 2023-03-23.

Conditions:
Hereditary cancer-predisposing syndrome. Also called: Neoplastic Syndromes, Hereditary; Tumor predisposition; Hereditary Cancer Syndrome; Hereditary neoplastic syndrome. Identifiers: Orphanet 140162, MedGen C0027672, MeSH D009386, MONDO:0015356.
Hereditary breast ovarian cancer syndrome. Also called: Hereditary breast and ovarian cancer; Hereditary breast and ovarian cancer syndrome (HBOC); Hereditary breast and ovarian cancer syndrome; Breast and ovarian cancer; Hereditary breast and/or ovarian cancer syndrome; BRCA1- and BRCA2-Associated Hereditary Breast and Ovarian Cancer. Identifiers: Orphanet 145, MedGen C0677776, MeSH D061325, MONDO:0003582. Disease mechanism: loss of function.

Submissions (3):

University of Washington Department of Laboratory Medicine, University of Washington
Classification: Likely benign for Hereditary cancer-predisposing syndrome. Last evaluated: 2023-03-23. Review status: criteria provided, single submitter. Criteria: Dines et al. (Genet Med. 2020). Collection method: curation. Allele origin: germline.
Comment: Missense variant in a coldspot region where missense variants are very unlikely to be pathogenic (PMID:31911673).

BRCA1 coldspot (exon 11 using historical exon numbering). Reclassification based on statistical prior probability

Labcorp Genetics (formerly Invitae), Labcorp
Classification: Uncertain significance for Hereditary breast ovarian cancer syndrome. Last evaluated: 2022-11-03. Review status: criteria provided, single submitter. Criteria: Invitae Variant Classification Sherloc (09022015). Collection method: clinical testing. Allele origin: germline.
Comment: In summary, the available evidence is currently insufficient to determine the role of this variant in disease. Therefore, it has been classified as a Variant of Uncertain Significance. Advanced modeling of protein sequence and biophysical properties (such as structural, functional, and spatial information, amino acid conservation, physicochemical variation, residue mobility, and thermodynamic stability) performed at Invitae indicates that this missense variant is not expected to disrupt BRCA1 protein function. This variant has not been reported in the literature in individuals affected with BRCA1-related conditions. This variant is not present in population databases (gnomAD no frequency). This sequence change replaces phenylalanine, which is neutral and non-polar, with leucine, which is neutral and non-polar, at codon 697 of the BRCA1 protein (p.Phe697Leu).

Ambry Genetics
Classification: Uncertain significance for Hereditary cancer-predisposing syndrome. Last evaluated: 2020-08-06. Review status: criteria provided, single submitter. Criteria: Ambry Variant Classification Scheme 2023. Collection method: clinical testing. Allele origin: germline.
Comment: The p.F697L variant (also known as c.2091C>G), located in coding exon 9 of the BRCA1 gene, results from a C to G substitution at nucleotide position 2091. The phenylalanine at codon 697 is replaced by leucine, an amino acid with highly similar properties. This amino acid position is not well conserved in available vertebrate species. In addition, the in silico prediction for this alteration is inconclusive. Since supporting evidence is limited at this time, the clinical significance of this alteration remains unclear.